The following is an entry in ClinVar:

ClinVar aggregate classification (germline): Likely benign. Review status: criteria provided, multiple submitters, no conflicts (2 of 4 stars). 2 submissions from 2 submitters: Likely benign (2). Last evaluated 2026-02-03.

Conditions:
Hereditary cancer-predisposing syndrome. Also called: Hereditary Cancer Syndrome; Neoplastic Syndromes, Hereditary; Tumor predisposition; Hereditary neoplastic syndrome. Identifiers: Orphanet 140162, MedGen C0027672, MeSH D009386, MONDO:0015356.

Submissions (2):

Ambry Genetics
Classification: Likely benign for Hereditary cancer-predisposing syndrome. Last evaluated: 2026-02-03. Review status: criteria provided, single submitter. Criteria: Ambry Variant Classification Scheme 2023. Collection method: clinical testing. Allele origin: germline.

CeGaT Center for Human Genetics Tuebingen
Classification: Likely benign. Last evaluated: 2025-08-01. Review status: criteria provided, single submitter. Criteria: CeGaT Center For Human Genetics Tuebingen Variant Classification Criteria Version 2. Collection method: clinical testing. Allele origin: germline. Affected: yes. Observed: 1 variant allele.
Comment: ALK: PM2:Supporting, BP4, BP7

NM_004304.5(ALK):c.2223T>C (p.Ala741=)

Gene: ALK (ALK receptor tyrosine kinase; minus strand). Cytogenetic location: 2p23.2.
Variant type: single nucleotide variant.
Coding change: c.2223T>C on transcript NM_004304.5 (MANE Select); coding-DNA position 2223, T replaced by C.
Protein change: p.Ala741=; no amino-acid change (alanine 741 retained).
Molecular consequence: synonymous variant.
Genome position (GRCh38, 1-based): chr2:29,239,812, A>G on the plus strand (T>C on the coding strand, the complement: ALK is on the minus strand). VCF-style: chr2-29239812-A-G. GRCh37 (hg19) VCF-style: chr2-29462678-A-G.
Other names: c.2223T>C (NM_004304.4).
Identifiers: ClinVar variation 4085679 (VCV004085679.8).